The following is an entry in ClinVar:

NM_206926.2(SELENON):c.1326G>A (p.Ser442=)

Gene: SELENON (selenoprotein N; plus strand). Cytogenetic location: 1p36.11.
Variant type: single nucleotide variant.
Coding change: c.1326G>A on transcript NM_206926.2 (MANE Select); coding-DNA position 1326, G replaced by A.
Protein change: p.Ser442=; no amino-acid change (serine 442 retained).
Molecular consequence: synonymous variant.
Genome position (GRCh38, 1-based): chr1:25,813,921, G>A. VCF-style: chr1-25813921-G-A. GRCh37 (hg19) VCF-style: chr1-26140412-G-A.
Other names: p.Ser476=; c.1428G>A, p.Ser476= (NM_020451.3).
Identifiers: ClinVar variation 193916 (VCV000193916.24), dbSNP rs41284305, ClinGen allele CA239647.

ClinVar aggregate classification (germline): Conflicting classifications of pathogenicity. Review status: criteria provided, conflicting classifications (1 of 4 stars). 7 submissions from 7 submitters: Uncertain significance (3); Likely benign (4). Last evaluated 2026-01-26.

Conditions:
Eichsfeld type congenital muscular dystrophy (CMYO3). Also called: MYOPATHY, SEPN1-RELATED; SELENON-related myopathy; Congenital myopathy 3 with rigid spine; Rigid spine muscular dystrophy 1. Identifiers: MedGen C0410180, MONDO:0100100, OMIM 602771.
SEPN1-related disorder. Also called: SEPN1-Related Disorders. Identifiers: MedGen CN239420.

Allele frequency attached by ClinVar (database versions not stated): TOPMed 0.00037; ESP Exome Variant Server 0.00040; gnomAD exomes 0.00048 and 0.00065; ExAC 0.00054; 1000 Genomes Project 0.00060; 1000 Genomes Project 30x 0.00062; gnomAD 0.00029 and 0.00033.
gnomAD v4.1: 982 of 1,614,048 alleles (0.061%); highest among the groups gnomAD compares: South Asian, 0.092%; 1 homozygote.

Submissions (7):

Labcorp Genetics (formerly Invitae), Labcorp
Classification: Likely benign for Eichsfeld type congenital muscular dystrophy. Last evaluated: 2026-01-26. Review status: criteria provided, single submitter. Criteria: Invitae Variant Classification Sherloc (09022015). Collection method: clinical testing. Allele origin: germline.

Mayo Clinic Laboratories, Mayo Clinic
Classification: Likely benign. Last evaluated: 2025-09-10. Review status: criteria provided, single submitter. Criteria: ACMG Guidelines, 2015. Collection method: clinical testing. Allele origin: germline. Observed: 1 variant allele.
Comment: BP4, BP7

Laboratory of Genetics, Children's Clinical University Hospital Latvia
Classification: Likely benign. Last evaluated: 2025-02-16. Review status: criteria provided, single submitter. Criteria: ACMG Guidelines, 2015. Collection method: clinical testing. Allele origin: germline. Affected: yes.

Blueprint Genetics
Classification: Likely benign. Last evaluated: 2024-10-17. Review status: criteria provided, single submitter. Criteria: ACMG Guidelines, 2015. Collection method: clinical testing. Allele origin: germline.

GeneDx
Classification: Uncertain significance. Last evaluated: 2019-06-05. Review status: criteria provided, single submitter. Criteria: GeneDx Variant Classification Process June 2021. Collection method: clinical testing. Allele origin: germline. Affected: yes.
Comment: Has not been previously published as pathogenic or benign to our knowledge

Illumina Laboratory Services, Illumina
Classification: Uncertain significance for SEPN1-Related Disorders. Last evaluated: 2018-03-30. Review status: criteria provided, single submitter. Criteria: ICSL Variant Classification Criteria 13 December 2019. Collection method: clinical testing. Allele origin: germline.

Eurofins Ntd Llc (ga)
Classification: Uncertain significance. Last evaluated: 2014-11-15. Review status: criteria provided, single submitter. Criteria: EGL Classification Definitions 2015. Collection method: clinical testing. Allele origin: germline. Observed: 1 variant allele, 1 heterozygote.